The following is an entry in ClinVar:

NM_005629.4(SLC6A8):c.570_571del (p.Ala191fs)

Gene: SLC6A8 (solute carrier family 6 member 8; plus strand). Cytogenetic location: Xq28.
Variant type: Microsatellite.
Coding change: c.570_571del on transcript NM_005629.4 (MANE Select); coding-DNA positions 570 to 571, 2 bases deleted (TG; older notation c.570_571delTG).
Protein change: p.Ala191fs; shifts the reading frame from alanine 191.
Molecular consequence: frameshift variant.
Genome position (GRCh38, 1-based): chrX:153,691,479-153,691,480, TG deleted; deleting any 2 consecutive bases within chrX:153,691,477-153,691,480 gives the same sequence; the c. name uses the placement nearest the transcript's 3' end. VCF-style (leftmost placement, unchanged base first): chrX-153691476-CTG-C. GRCh37 (hg19) VCF-style: chrX-152956931-CTG-C.
Other names: NM_005629.4(SLC6A8):c.568_569TG[1]; p.Ala191fs; c.570_571del (NM_005629.3); c.570_571del, p.Ala191fs (NM_001142805.2); c.225_226del, p.Ala76fs (NM_001142806.1); c.570_571delTG (NM_005629.3); short protein forms A191fs, A76fs.
Identifiers: ClinVar variation 449366 (VCV000449366.12), dbSNP rs1557044442, ClinGen allele CA658659050.
Genomic context (GRCh38, chrX:153,691,476, plus strand): 5'-GGCCACATGTGGCCACACCTGGAACACTCCCGACTGCGTGGAGATCTTCCGCCATGAAGA[CTG>C]TGCCAATGCCAGCCTGGCCAACCTCACCTGTGACCAGCTTGCTGACCGCCGGTCCCCTGT-3'

ClinVar aggregate classification (germline): Pathogenic. Review status: reviewed by expert panel (3 of 4 stars). 4 submissions from 4 submitters: Pathogenic (1). 3 of the submissions do not count toward it. Last evaluated 2022-06-06.

Conditions:
SLC6A8-related disorder. Also called: SLC6A8-related condition.
Creatine transporter deficiency (CCDS1). Also called: CEREBRAL CREATINE DEFICIENCY SYNDROME 1; SLC6A8-Related Creatine Transporter Deficiency; CREATINE TRANSPORTER DEFECT; Creatine Transporter (CRTR) Deficiency; Mental retardation , X-linked with seizures, short stature and midface hypoplasia; Mental retardation , X-linked, with creatine transport deficiency. Identifiers: Orphanet 52503, MedGen C1845862, MONDO:0010305, OMIM 300352.

Submissions (4):

ClinGen Cerebral Creatine Deficiency Syndromes Variant Curation Expert Panel, ClinGen
Classification: Pathogenic for Creatine transporter deficiency. Last evaluated: 2022-06-06. Review status: reviewed by expert panel. Criteria: ClinGen_CCDS_ACMG_Specifications_SLC6A8_v1.1. Collection method: curation. Allele origin: germline. Inheritance: X-linked inheritance.
Comment: The NM_005629.4:c.570_571del (p.Ala191GlnfsTer10) variant in SLC6A8 is a frameshift variant predicted to cause a premature stop codon, leading to nonsense mediated decay in a gene in which loss-of-function is an established disease mechanism (PVS1). This variant in not in gnomAD v2.1.1 (PM2_Supporting). The patient's mother is heterozygous for the variant and also had elevated urinary creatine/creatinine ratio and decreased (78% normal) creatine in brain on MRS (PMID 20528887). Note that the variant is described as c.570_571del in these two publications. There is a ClinVar entry for this variant (Variation ID: 449366). In summary, this variant meets the criteria to be classified as pathogenic for creatine transporter deficiency. SLC6A8-specific ACMG/AMP criteria met, as specified by the ClinGen CCDS VCEP (Specification Version 1.1.0): PVS1, PP4_Strong, PM2_Supporting. (Classification approved by the ClinGen CCDS VCEP on June 6, 2022).

GeneDx
Classification: Pathogenic. Last evaluated: 2025-05-07. Review status: criteria provided, single submitter. Criteria: GeneDx Variant Classification Process June 2021. Collection method: clinical testing. Allele origin: germline. Affected: yes. Not counted in ClinVar's aggregate classification.
Comment: Reported previously in association with creatine transporter deficiency (PMID: 20528887); Frameshift variant predicted to result in protein truncation or nonsense mediated decay in a gene for which loss of function is a known mechanism of disease; Not observed at significant frequency in large population cohorts (gnomAD); This variant is associated with the following publications: (PMID: 22281021, 20528887)

Labcorp Genetics (formerly Invitae), Labcorp
Classification: Pathogenic for Creatine transporter deficiency. Last evaluated: 2023-04-15. Review status: criteria provided, single submitter. Criteria: Invitae Variant Classification Sherloc (09022015). Collection method: clinical testing. Allele origin: germline. Not counted in ClinVar's aggregate classification.
Comment: For these reasons, this variant has been classified as Pathogenic. This sequence change creates a premature translational stop signal (p.Ala191Glnfs*10) in the SLC6A8 gene. It is expected to result in an absent or disrupted protein product. Loss-of-function variants in SLC6A8 are known to be pathogenic (PMID: 22281021). ClinVar contains an entry for this variant (Variation ID: 449366). This premature translational stop signal has been observed in individual(s) with clinical features of creatine transporter deficiency (PMID: 20528887, 21556832). This variant is not present in population databases (gnomAD no frequency).

Blueprint Genetics
Classification: Pathogenic for SLC6A8-related disorders. Last evaluated: 2022-01-18. Review status: criteria provided, single submitter. Criteria: ACMG Guidelines, 2015. Collection method: clinical testing. Allele origin: de novo. Affected: yes. Observed: 1 variant allele. Not counted in ClinVar's aggregate classification.

Literature cited by the submitters: PubMed 22281021 (cited by Labcorp Genetics (formerly Invitae), Labcorp); PubMed 20528887 (cited by Labcorp Genetics (formerly Invitae), Labcorp); PubMed 21556832 (cited by Labcorp Genetics (formerly Invitae), Labcorp).